The following is an entry in ClinVar:

NM_174934.4(SCN4B):c.542T>C (p.Leu181Pro)

Gene: SCN4B (sodium voltage-gated channel beta subunit 4; minus strand). Cytogenetic location: 11q23.3.
Variant type: single nucleotide variant.
Coding change: c.542T>C on transcript NM_174934.4 (MANE Select); coding-DNA position 542, T replaced by C.
Protein change: p.Leu181Pro; replaces leucine 181 with proline.
Molecular consequence: missense variant. On other transcripts: non-coding transcript variant (1).
Genome position (GRCh38, 1-based): chr11:118,141,258, A>G on the plus strand (T>C on the coding strand, the complement: SCN4B is on the minus strand). VCF-style: chr11-118141258-A-G. GRCh37 (hg19) VCF-style: chr11-118011973-A-G.
Other names: c.140T>C, p.Leu47Pro (NM_001142348.2); c.212T>C, p.Leu71Pro (NM_001142349.2); short protein forms L181P, L47P, L71P.
Identifiers: ClinVar variation 420671 (VCV000420671.21), dbSNP rs61065977, ClinGen allele CA6300170.
Genomic context (GRCh38, chr11:118,141,258, plus strand): 5'-TCAACTCACTTCTTCTCCCGAGTCTTCTTCAGGATGAAGATGATGAGTTTCTTGATCAGC[A>G]GGATGAGGATGAGGAGCCCGATGACCCCGCCCACGACAGCCAGGATGATGAGTGTCACTG-3'
Protein context (NP_777594.1, residues 171-191): GGVIGLLILI[Leu181Pro]LIKKLIIFIL

ClinVar aggregate classification (germline): Conflicting classifications of pathogenicity. Review status: criteria provided, conflicting classifications (1 of 4 stars). 3 submissions from 3 submitters: Uncertain significance (1); Likely benign (2). Last evaluated 2026-07-20.

Conditions:
Cardiovascular phenotype. Identifiers: MedGen CN230736.
Long QT syndrome 10 (LQT10). Identifiers: Orphanet 101016, Orphanet 768, MedGen C2678484, MONDO:0012737, OMIM 611819.

Allele frequency attached by ClinVar (database versions not stated): 1000 Genomes Project 30x 0.00125; gnomAD 0.00048 and 0.00047; gnomAD exomes 0.00009; ESP Exome Variant Server 0.00054; 1000 Genomes Project 0.00120; ExAC 0.00014; TOPMed 0.00044.

Submissions (3):

GeneDx
Classification: Uncertain significance. Last evaluated: 2026-07-20. Review status: criteria provided, single submitter. Criteria: GeneDx Variant Classification Process June 2021. Collection method: clinical testing. Allele origin: germline.
Comment: In silico analysis supports that this missense variant has a deleterious effect on protein structure/function; Has not been previously published as pathogenic or benign to our knowledge; Variants in candidate genes are classified as variants of uncertain significance in accordance with ACMG guidelines (PMID: 25741868)

Labcorp Genetics (formerly Invitae), Labcorp
Classification: Likely benign for Long QT syndrome 10. Last evaluated: 2026-01-19. Review status: criteria provided, single submitter. Criteria: Invitae Variant Classification Sherloc (09022015). Collection method: clinical testing. Allele origin: germline.

Ambry Genetics
Classification: Likely benign for Cardiovascular phenotype. Last evaluated: 2025-08-03. Review status: criteria provided, single submitter. Criteria: Ambry Variant Classification Scheme 2023. Collection method: clinical testing. Allele origin: germline.